The following is an entry in ClinVar:

NM_024675.4(PALB2):c.731G>C (p.Arg244Thr)

Gene: PALB2 (partner and localizer of BRCA2; minus strand). Cytogenetic location: 16p12.2.
Variant type: single nucleotide variant.
Coding change: c.731G>C on transcript NM_024675.4 (MANE Select); coding-DNA position 731, G replaced by C.
Protein change: p.Arg244Thr; replaces arginine 244 with threonine.
Molecular consequence: missense variant.
Genome position (GRCh38, 1-based): chr16:23,635,815, C>G on the plus strand (G>C on the coding strand, the complement: PALB2 is on the minus strand). VCF-style: chr16-23635815-C-G. GRCh37 (hg19) VCF-style: chr16-23647136-C-G.
Other names: short protein forms R244T.
Identifiers: ClinVar variation 958845 (VCV000958845.12), dbSNP rs764553978, ClinGen allele CA7963767.

ClinVar aggregate classification (germline): Uncertain significance. Review status: criteria provided, multiple submitters, no conflicts (2 of 4 stars). 2 submissions from 2 submitters: Uncertain significance (2). Last evaluated 2023-03-22.

Conditions:
Hereditary cancer-predisposing syndrome. Also called: Tumor predisposition; Hereditary neoplastic syndrome; Neoplastic Syndromes, Hereditary; Hereditary Cancer Syndrome. Identifiers: Orphanet 140162, MedGen C0027672, MeSH D009386, MONDO:0015356.
Familial cancer of breast. Also called: BREAST CANCER, FAMILIAL; Hereditary breast cancer; hereditary breast carcinoma. Identifiers: Orphanet 227535, MedGen C0346153, MONDO:0016419, OMIM 114480. Disease mechanism: loss of function.

Allele frequency attached by ClinVar (database versions not stated): gnomAD exomes below 0.00001; ExAC 0.00001.

Submissions (2):

Ambry Genetics
Classification: Uncertain significance for Hereditary cancer-predisposing syndrome. Last evaluated: 2023-03-22. Review status: criteria provided, single submitter. Criteria: Ambry Variant Classification Scheme 2023. Collection method: clinical testing. Allele origin: germline.
Comment: The p.R244T variant (also known as c.731G>C), located in coding exon 4 of the PALB2 gene, results from a G to C substitution at nucleotide position 731. The arginine at codon 244 is replaced by threonine, an amino acid with similar properties. This amino acid position is not well conserved in available vertebrate species. In addition, this alteration is predicted to be tolerated by in silico analysis. Since supporting evidence is limited at this time, the clinical significance of this alteration remains unclear.

Labcorp Genetics (formerly Invitae), Labcorp
Classification: Uncertain significance for Familial cancer of breast. Last evaluated: 2019-10-22. Review status: criteria provided, single submitter. Criteria: Invitae Variant Classification Sherloc (09022015). Collection method: clinical testing. Allele origin: germline.
Comment: In summary, the available evidence is currently insufficient to determine the role of this variant in disease. Therefore, it has been classified as a Variant of Uncertain Significance. Algorithms developed to predict the effect of missense changes on protein structure and function (SIFT, PolyPhen-2, Align-GVGD) all suggest that this variant is likely to be tolerated, but these predictions have not been confirmed by published functional studies and their clinical significance is uncertain. This variant has not been reported in the literature in individuals with PALB2-related conditions. This variant is present in population databases (rs764553978, ExAC 0.001%). This sequence change replaces arginine with threonine at codon 244 of the PALB2 protein (p.Arg244Thr). The arginine residue is weakly conserved and there is a moderate physicochemical difference between arginine and threonine.